The following is an entry in ClinVar:

NM_000455.5(STK11):c.271G>A (p.Gly91Arg)

Gene: STK11 (serine/threonine kinase 11; plus strand). Cytogenetic location: 19p13.3.
Variant type: single nucleotide variant.
Coding change: c.271G>A on transcript NM_000455.5 (MANE Select); coding-DNA position 271, G replaced by A.
Protein change: p.Gly91Arg; replaces glycine 91 with arginine.
Molecular consequence: missense variant. On other transcripts: non-coding transcript variant (1).
Genome position (GRCh38, 1-based): chr19:1,207,184, G>A. VCF-style: chr19-1207184-G-A. GRCh37 (hg19) VCF-style: chr19-1207183-G-A.
Other names: c.271G>A, p.Gly91Arg (NM_001407255.1); short protein forms G91R.
Identifiers: ClinVar variation 2761434 (VCV002761434.4), dbSNP rs1284530663, ClinGen allele CA402944584.

ClinVar aggregate classification (germline): Uncertain significance. Review status: criteria provided, multiple submitters, no conflicts (2 of 4 stars). 2 submissions from 2 submitters: Uncertain significance (2). Last evaluated 2025-10-14.

Conditions:
Peutz-Jeghers syndrome (PJS). Also called: POLYPOSIS, HAMARTOMATOUS INTESTINAL; POLYPS-AND-SPOTS SYNDROME; Peutz-Jeghers polyposis; Periorificial lentiginosis syndrome. Identifiers: Orphanet 2869, MedGen C0031269, MeSH D010580, MONDO:0008280, OMIM 175200.
Hereditary cancer-predisposing syndrome. Also called: Neoplastic Syndromes, Hereditary; Tumor predisposition; Hereditary neoplastic syndrome; Hereditary Cancer Syndrome. Identifiers: Orphanet 140162, MedGen C0027672, MeSH D009386, MONDO:0015356.

Allele frequency attached by ClinVar (database versions not stated): gnomAD exomes below 0.00001.
gnomAD v4.1: 2 of 1,607,450 alleles (0.00012%); highest among the groups gnomAD compares: Admixed American, 0.0017%; no homozygotes.

Submissions (2):

Ambry Genetics
Classification: Uncertain significance for Hereditary cancer-predisposing syndrome. Last evaluated: 2025-10-14. Review status: criteria provided, single submitter. Criteria: Ambry Variant Classification Scheme 2023. Collection method: clinical testing. Allele origin: germline.
Comment: The p.G91R variant (also known as c.271G>A), located in coding exon 1 of the STK11 gene, results from a G to A substitution at nucleotide position 271. The glycine at codon 91 is replaced by arginine, an amino acid with dissimilar properties. This amino acid position is conserved. In addition, the in silico prediction for this alteration is inconclusive. Based on the available evidence, the clinical significance of this variant remains unclear.

Labcorp Genetics (formerly Invitae), Labcorp
Classification: Uncertain significance for Peutz-Jeghers syndrome. Last evaluated: 2025-05-05. Review status: criteria provided, single submitter. Criteria: Invitae Variant Classification Sherloc (09022015). Collection method: clinical testing. Allele origin: germline.
Comment: This sequence change replaces glycine, which is neutral and non-polar, with arginine, which is basic and polar, at codon 91 of the STK11 protein (p.Gly91Arg). The frequency data for this variant in the population databases is considered unreliable, as metrics indicate poor data quality at this position in the gnomAD database. This variant has not been reported in the literature in individuals affected with STK11-related conditions. ClinVar contains an entry for this variant (Variation ID: 2761434). Invitae Evidence Modeling of protein sequence and biophysical properties (such as structural, functional, and spatial information, amino acid conservation, physicochemical variation, residue mobility, and thermodynamic stability) has been performed for this missense variant. However, the output from this modeling did not meet the statistical confidence thresholds required to predict the impact of this variant on STK11 protein function. In summary, the available evidence is currently insufficient to determine the role of this variant in disease. Therefore, it has been classified as a Variant of Uncertain Significance.